The following is an entry in ClinVar:

ClinVar aggregate classification (germline): Uncertain significance (1 of 4 stars; one submission).

Submission:

Dasa
Classification: Uncertain significance. Last evaluated: 2025-09-24. Review status: criteria provided, single submitter. Criteria: DASA Assertion Criteria. Collection method: clinical testing. Allele origin: germline.
Comment: NM_000093.5(COL5A1):c.3010C>T (p.Pro1004Ser) is a missense variant that results in the substitution of proline with serine. This variant is rare in population databases. The currently available literature and clinical evidence are not sufficient to establish a definitive association between this variant and the reported condition. Therefore, this variant is classified as a variant of uncertain significance.

NM_000093.5(COL5A1):c.3010C>T (p.Pro1004Ser)

Gene: COL5A1 (collagen type V alpha 1 chain; plus strand). Cytogenetic location: 9q34.3.
Variant type: single nucleotide variant.
Coding change: c.3010C>T on transcript NM_000093.5 (MANE Select); coding-DNA position 3010, C replaced by T.
Protein change: p.Pro1004Ser; replaces proline 1004 with serine.
Molecular consequence: missense variant.
Genome position (GRCh38, 1-based): chr9:134,802,891, C>T. VCF-style: chr9-134802891-C-T. GRCh37 (hg19) VCF-style: chr9-137694737-C-T.
Other names: c.3010C>T, p.Pro1004Ser (NM_001278074.1); short protein forms P1004S.
Identifiers: ClinVar variation 4885117 (VCV004885117.2).